The following is an entry in ClinVar:

NM_005560.6(LAMA5):c.2064C>A (p.Ala688=)

Gene: LAMA5 (laminin subunit alpha 5; minus strand). Cytogenetic location: 20q13.33.
Variant type: single nucleotide variant.
Coding change: c.2064C>A on transcript NM_005560.6 (MANE Select); coding-DNA position 2064, C replaced by A.
Protein change: p.Ala688=; no amino-acid change (alanine 688 retained).
Molecular consequence: synonymous variant.
Genome position (GRCh38, 1-based): chr20:62,337,690, G>T on the plus strand (C>A on the coding strand, the complement: LAMA5 is on the minus strand). VCF-style: chr20-62337690-G-T. GRCh37 (hg19) VCF-style: chr20-60912746-G-T.
Other names: c.2064C>A (NM_005560.4).
Identifiers: ClinVar variation 2078099 (VCV002078099.6), dbSNP rs150861125, ClinGen allele CA9943648.

ClinVar aggregate classification (germline): Likely benign. Review status: criteria provided, single submitter (1 of 4 stars). 2 submissions from 2 submitters: Likely benign (1). 1 of the submissions does not count toward it. Last evaluated 2025-06-12.

Conditions:
LAMA5-related disorder. Also called: LAMA5-Related Disorders; LAMA5-related condition.

Allele frequency attached by ClinVar (database versions not stated): gnomAD exomes 0.00004; ExAC 0.00012; 1000 Genomes Project 30x 0.00031; 1000 Genomes Project 0.00040; gnomAD 0.00046; TOPMed 0.00052; ESP Exome Variant Server 0.00062.
gnomAD v4.1: 125 of 1,611,828 alleles (0.0078%); highest among the groups gnomAD compares: African/African-American, 0.16%; no homozygotes.

Submissions (2):

Labcorp Genetics (formerly Invitae), Labcorp
Classification: Likely benign. Last evaluated: 2025-06-12. Review status: criteria provided, single submitter. Criteria: Invitae Variant Classification Sherloc (09022015). Collection method: clinical testing. Allele origin: germline.

PreventionGenetics, part of Exact Sciences
Classification: Likely benign for LAMA5-related condition. Last evaluated: 2019-04-12. Review status: no assertion criteria provided. Collection method: clinical testing. Allele origin: germline. Not counted in ClinVar's aggregate classification.
Comment: This variant is classified as likely benign based on ACMG/AMP sequence variant interpretation guidelines (Richards et al. 2015 PMID: 25741868, with internal and published modifications).